The following is an entry in ClinVar:

ClinVar aggregate classification (germline): Likely benign. Review status: criteria provided, multiple submitters, no conflicts (2 of 4 stars). 2 submissions from 2 submitters: Likely benign (2). Last evaluated 2024-08-01.

Allele frequency attached by ClinVar (database versions not stated): gnomAD exomes 0.00002; TOPMed 0.00002; ExAC 0.00003; gnomAD 0.00006; ESP Exome Variant Server 0.00008.
gnomAD v4.1: 53 of 1,609,912 alleles (0.0033%); highest among the groups gnomAD compares: African/African-American, 0.013%; no homozygotes.

Submissions (2):

CeGaT Center for Human Genetics Tuebingen
Classification: Likely benign. Last evaluated: 2024-08-01. Review status: criteria provided, single submitter. Criteria: CeGaT Center For Human Genetics Tuebingen Variant Classification Criteria Version 2. Collection method: clinical testing. Allele origin: germline. Affected: yes. Observed: 1 variant allele.
Comment: KMT2B: BP4, BP7

Labcorp Genetics (formerly Invitae), Labcorp
Classification: Likely benign. Last evaluated: 2024-07-22. Review status: criteria provided, single submitter. Criteria: Invitae Variant Classification Sherloc (09022015). Collection method: clinical testing. Allele origin: germline.

NM_014727.3(KMT2B):c.7386G>A (p.Ala2462=)

Gene: KMT2B (lysine methyltransferase 2B; plus strand). Cytogenetic location: 19q13.12.
Variant type: single nucleotide variant.
Coding change: c.7386G>A on transcript NM_014727.3 (MANE Select); coding-DNA position 7386, G replaced by A.
Protein change: p.Ala2462=; no amino-acid change (alanine 2462 retained).
Molecular consequence: synonymous variant.
Genome position (GRCh38, 1-based): chr19:35,737,099, G>A. VCF-style: chr19-35737099-G-A. GRCh37 (hg19) VCF-style: chr19-36228000-G-A.
Identifiers: ClinVar variation 724247 (VCV000724247.22), dbSNP rs370132510, ClinGen allele CA9385961.
Genomic context (GRCh38, chr19:35,737,099, plus strand): 5'-CCATGGGCCCTCCACATGACAGGTGTGTCCTCAACATCTCCCCTCAGGAATGAGTGGGGC[G>A]AGACTCCTGGGCATCCACCATGATGCTGTCATCTTCCTGGCCGAGCAGCTCCCCGGAGCC-3'
Protein context (NP_055542.1, residues 2452-2472): RHLSFSGMSG[Ala2462=]RLLGIHHDAV